The following is an entry in ClinVar:

NM_001197104.2(KMT2A):c.6280G>A (p.Glu2094Lys)

Gene: KMT2A (lysine methyltransferase 2A; plus strand). Cytogenetic location: 11q23.3.
Variant type: single nucleotide variant.
Coding change: c.6280G>A on transcript NM_001197104.2 (MANE Select); coding-DNA position 6280, G replaced by A.
Protein change: p.Glu2094Lys; replaces glutamic acid 2094 with lysine.
Molecular consequence: missense variant.
Genome position (GRCh38, 1-based): chr11:118,501,108, G>A. VCF-style: chr11-118501108-G-A. GRCh37 (hg19) VCF-style: chr11-118371823-G-A.
Other names: c.6370G>A, p.Glu2124Lys (NM_001412597.1); c.6271G>A, p.Glu2091Lys (NM_005933.4); short protein forms E2091K, E2094K, E2124K.
Identifiers: ClinVar variation 3618547 (VCV003618547.2).

ClinVar aggregate classification (germline): Uncertain significance (1 of 4 stars; one submission).

gnomAD v4.1: 26 of 1,614,106 alleles (0.0016%); highest among the groups gnomAD compares: Non-Finnish European, 0.0021%; no homozygotes.

Submission:

Labcorp Genetics (formerly Invitae), Labcorp
Classification: Uncertain significance. Last evaluated: 2024-08-14. Review status: criteria provided, single submitter. Criteria: Invitae Variant Classification Sherloc (09022015). Collection method: clinical testing. Allele origin: germline.
Comment: This sequence change replaces glutamic acid, which is acidic and polar, with lysine, which is basic and polar, at codon 2094 of the KMT2A protein (p.Glu2094Lys). This variant is present in population databases (rs782723872, gnomAD 0.0009%). This variant has not been reported in the literature in individuals affected with KMT2A-related conditions. Invitae Evidence Modeling of protein sequence and biophysical properties (such as structural, functional, and spatial information, amino acid conservation, physicochemical variation, residue mobility, and thermodynamic stability) indicates that this missense variant is not expected to disrupt KMT2A protein function with a negative predictive value of 95%. In summary, the available evidence is currently insufficient to determine the role of this variant in disease. Therefore, it has been classified as a Variant of Uncertain Significance.